The following is an entry in ClinVar:

NM_004973.4(JARID2):c.629C>T (p.Pro210Leu)

Gene: JARID2 (jumonji and AT-rich interaction domain containing 2; plus strand). Cytogenetic location: 6p22.3.
Variant type: single nucleotide variant.
Coding change: c.629C>T on transcript NM_004973.4 (MANE Select); coding-DNA position 629, C replaced by T.
Protein change: p.Pro210Leu; replaces proline 210 with leucine.
Molecular consequence: missense variant.
Genome position (GRCh38, 1-based): chr6:15,468,677, C>T. VCF-style: chr6-15468677-C-T. GRCh37 (hg19) VCF-style: chr6-15468908-C-T.
Other names: c.113C>T, p.Pro38Leu (NM_001267040.1); short protein forms P210L, P38L.
Identifiers: ClinVar variation 4853041 (VCV004853041.1).

ClinVar aggregate classification (germline): Uncertain significance (1 of 4 stars; one submission).

gnomAD v4.1: 2 of 1,613,590 alleles (0.00012%); highest among the groups gnomAD compares: Non-Finnish European, 0.000085%; no homozygotes.

Submission:

Women's Health and Genetics/Laboratory Corporation of America, LabCorp
Classification: Uncertain significance. Last evaluated: 2026-05-15. Review status: criteria provided, single submitter. Criteria: LabCorp Variant Classification Summary - May 2015. Collection method: clinical testing. Allele origin: germline.
Comment: Variant summary: JARID2 c.629C>T (p.Pro210Leu) results in a non-conservative amino acid change in the encoded protein sequence. Algorithms developed to predict the effect of missense changes on protein structure and function are either unavailable or do not agree on the potential impact of this missense change. The variant was absent in 251158 control chromosomes. The available data on variant occurrences in the general population are insufficient to allow any conclusion about variant significance. To our knowledge, no occurrence of c.629C>T in individuals affected with JARID2-related conditions and no experimental evidence demonstrating its impact on protein function have been reported. No submitters have cited clinical-significance assessments for this variant to ClinVar. Based on the evidence outlined above, the variant was classified as uncertain significance.